The following is an entry in ClinVar:

NM_001286577.2(C2CD3):c.1342G>C (p.Glu448Gln)

Gene: C2CD3 (C2 domain containing 3 centriole elongation regulator; minus strand). Cytogenetic location: 11q13.4.
Variant type: single nucleotide variant.
Coding change: c.1342G>C on transcript NM_001286577.2 (MANE Select); coding-DNA position 1342, G replaced by C.
Protein change: p.Glu448Gln; replaces glutamic acid 448 with glutamine.
Molecular consequence: missense variant.
Genome position (GRCh38, 1-based): chr11:74,123,011, C>G on the plus strand (G>C on the coding strand, the complement: C2CD3 is on the minus strand). VCF-style: chr11-74123011-C-G. GRCh37 (hg19) VCF-style: chr11-73834056-C-G.
Other names: c.1342G>C, p.Glu448Gln (NM_015531.6); short protein forms E448Q.
Identifiers: ClinVar variation 1382113 (VCV001382113.3), dbSNP rs755981597, ClinGen allele CA6182980.

ClinVar aggregate classification (germline): Uncertain significance (1 of 4 stars; one submission).

Allele frequency attached by ClinVar (database versions not stated): TOPMed 0.00002; gnomAD exomes 0.00003 and 0.00006; ExAC 0.00007.
gnomAD v4.1: 17 of 1,613,514 alleles (0.0011%); highest among the groups gnomAD compares: Admixed American, 0.027%; no homozygotes.

Submission:

Labcorp Genetics (formerly Invitae), Labcorp
Classification: Uncertain significance. Last evaluated: 2021-11-08. Review status: criteria provided, single submitter. Criteria: Invitae Variant Classification Sherloc (09022015). Collection method: clinical testing. Allele origin: germline.
Comment: This sequence change replaces glutamic acid, which is acidic and polar, with glutamine, which is neutral and polar, at codon 448 of the C2CD3 protein (p.Glu448Gln). This variant is present in population databases (rs755981597, gnomAD 0.03%). This variant has not been reported in the literature in individuals affected with C2CD3-related conditions. Algorithms developed to predict the effect of missense changes on protein structure and function are either unavailable or do not agree on the potential impact of this missense change (SIFT: "Tolerated"; PolyPhen-2: "Probably Damaging"; Align-GVGD: "Class C0"). In summary, the available evidence is currently insufficient to determine the role of this variant in disease. Therefore, it has been classified as a Variant of Uncertain Significance.